The following is an entry in ClinVar:

NM_001378974.1(FBXW11):c.458C>G (p.Ala153Gly)

Gene: FBXW11 (F-box and WD repeat domain containing 11; minus strand). Cytogenetic location: 5q35.1.
Variant type: single nucleotide variant.
Coding change: c.458C>G on transcript NM_001378974.1 (MANE Select); coding-DNA position 458, C replaced by G.
Protein change: p.Ala153Gly; replaces alanine 153 with glycine.
Molecular consequence: missense variant.
Genome position (GRCh38, 1-based): chr5:171,900,079, G>C on the plus strand (C>G on the coding strand, the complement: FBXW11 is on the minus strand). VCF-style: chr5-171900079-G-C. GRCh37 (hg19) VCF-style: chr5-171327083-G-C.
Other names: c.389C>G, p.Ala130Gly (NM_001378975.1); c.362C>G, p.Ala121Gly (NM_001378976.1); c.299C>G, p.Ala100Gly (NM_001378977.1, NM_001378978.1, NM_001378979.1); c.293C>G, p.Ala98Gly (NM_001378980.1, NM_033645.3); c.395C>G, p.Ala132Gly (NM_012300.3); c.356C>G, p.Ala119Gly (NM_033644.3); short protein forms A100G, A119G, A121G, A130G, A132G, A153G, A98G.
Identifiers: ClinVar variation 4534533 (VCV004534533.6).

ClinVar aggregate classification (germline): Uncertain significance (1 of 4 stars; one submission).

Submission:

CeGaT Center for Human Genetics Tuebingen
Classification: Uncertain significance. Last evaluated: 2025-10-01. Review status: criteria provided, single submitter. Criteria: CeGaT Center For Human Genetics Tuebingen Variant Classification Criteria Version 2. Collection method: clinical testing. Allele origin: germline. Affected: yes. Observed: 1 variant allele.
Comment: FBXW11: PM2, PP2